The following is an entry in ClinVar:

ClinVar aggregate classification (germline): Uncertain significance (1 of 4 stars; one submission).

Conditions:
Immunodeficiency 14 (IMD14A). Also called: p110-DELTA-ACTIVATING MUTATION CAUSING SENESCENT T CELLS, LYMPHADENOPATHY, AND IMMUNODEFICIENCY; IMMUNODEFICIENCY 14A WITH LYMPHOPROLIFERATION, AUTOSOMAL DOMINANT; ACTIVATED PI3K-DELTA SYNDROME 1; Activated PI3K Delta Syndrome Type 1 (APDS1). Identifiers: Orphanet 397596, Orphanet 693661, MedGen C5907821, MONDO:0014222, OMIM 615513.

Submission:

Labcorp Genetics (formerly Invitae), Labcorp
Classification: Uncertain significance for Activated PI3K-delta syndrome. Last evaluated: 2023-01-24. Review status: criteria provided, single submitter. Criteria: Invitae Variant Classification Sherloc (09022015). Collection method: clinical testing. Allele origin: germline.
Comment: In summary, the available evidence is currently insufficient to determine the role of this variant in disease. Therefore, it has been classified as a Variant of Uncertain Significance. Advanced modeling of protein sequence and biophysical properties (such as structural, functional, and spatial information, amino acid conservation, physicochemical variation, residue mobility, and thermodynamic stability) performed at Invitae indicates that this missense variant is not expected to disrupt PIK3CD protein function. This variant has not been reported in the literature in individuals affected with PIK3CD-related conditions. This variant is not present in population databases (gnomAD no frequency). This sequence change replaces proline, which is neutral and non-polar, with threonine, which is neutral and polar, at codon 707 of the PIK3CD protein (p.Pro707Thr).

NM_005026.5(PIK3CD):c.2119C>A (p.Pro707Thr)

Gene: PIK3CD (phosphatidylinositol-4,5-bisphosphate 3-kinase catalytic subunit delta; plus strand). Cytogenetic location: 1p36.22.
Variant type: single nucleotide variant.
Coding change: c.2119C>A on transcript NM_005026.5 (MANE Select); coding-DNA position 2119, C replaced by A.
Protein change: p.Pro707Thr; replaces proline 707 with threonine.
Molecular consequence: missense variant.
Genome position (GRCh38, 1-based): chr1:9,722,038, C>A. VCF-style: chr1-9722038-C-A. GRCh37 (hg19) VCF-style: chr1-9782096-C-A.
Other names: c.2116C>A, p.Pro706Thr (NM_001350234.2); c.2032C>A, p.Pro678Thr (NM_001350235.1); short protein forms P706T, P707T, P678T.
Identifiers: ClinVar variation 2831561 (VCV002831561.3), dbSNP rs745781507, ClinGen allele CA17781638.
Genomic context (GRCh38, chr1:9,722,038, plus strand): 5'-GAAGCACTGAGCAAACTGAAGGCCCTGAATGACTTCGTCAAGCTGAGCTCTCAGAAGACC[C>A]CCAAGCCCCAGACCAAGGAGCTGATGCACTTGTGCATGCGGCAGGAGGCCTACCTAGAGG-3'
Protein context (NP_005017.3, residues 697-717): DFVKLSSQKT[Pro707Thr]KPQTKELMHL